The following is an entry in ClinVar:

ClinVar aggregate classification (germline): Pathogenic (0 of 4 stars; one submission).

Conditions:
Ataxia, intention tremor, and hypotonia syndrome, childhood-onset. Identifiers: MedGen C5543478, MONDO:0859158, OMIM 619352.

Submission:

OMIM
Classification: Pathogenic for ATAXIA, INTENTION TREMOR, AND HYPOTONIA SYNDROME, CHILDHOOD-ONSET. Last evaluated: 2021-06-08. Review status: no assertion criteria provided. Collection method: literature only. Allele origin: germline.

Literature cited by the submitters: PubMed 33783914 (cited by OMIM).

NM_006237.4(POU4F1):c.917A>G (p.Gln306Arg)

Genes: OBI1-AS1 (OBI1 antisense RNA 1; plus strand), POU4F1 (POU class 4 homeobox 1; minus strand). Cytogenetic location: 13q31.1.
Variant type: single nucleotide variant.
Coding change: c.917A>G on transcript NM_006237.4 (MANE Select); coding-DNA position 917, A replaced by G.
Protein change: p.Gln306Arg; replaces glutamine 306 with arginine.
Molecular consequence: missense variant.
Genome position (GRCh38, 1-based): chr13:78,601,758, T>C on the plus strand (A>G on the coding strand, the complement: POU4F1 is on the minus strand). VCF-style: chr13-78601758-T-C. GRCh37 (hg19) VCF-style: chr13-79175893-T-C.
Other names: short protein forms Q306R.
Identifiers: ClinVar variation 973050 (VCV000973050.3), dbSNP rs1874704791, ClinGen allele CA388425845.